The following is an entry in ClinVar:

ClinVar aggregate classification (germline): Uncertain significance. Review status: criteria provided, multiple submitters, no conflicts (2 of 4 stars). 2 submissions from 2 submitters: Uncertain significance (2). Last evaluated 2024-07-21.

Conditions:
Hereditary pancreatitis (PCTT). Also called: Hereditary chronic pancreatitis; PRSS1-Related Hereditary Pancreatitis. Identifiers: Orphanet 676, MedGen C0238339, MONDO:0008185, OMIM 167800.

Allele frequency attached by ClinVar (database versions not stated): gnomAD exomes below 0.00001.
gnomAD v4.1: 6 of 1,614,186 alleles (0.00037%); highest among the groups gnomAD compares: Non-Finnish European, 0.00051%; no homozygotes.

Submissions (2):

Labcorp Genetics (formerly Invitae), Labcorp
Classification: Uncertain significance for Hereditary pancreatitis. Last evaluated: 2024-07-21. Review status: criteria provided, single submitter. Criteria: Invitae Variant Classification Sherloc (09022015). Collection method: clinical testing. Allele origin: germline.
Comment: This sequence change replaces aspartic acid, which is acidic and polar, with glutamic acid, which is acidic and polar, at codon 215 of the CTRC protein (p.Asp215Glu). This variant is present in population databases (no rsID available, gnomAD 0.0009%). This variant has not been reported in the literature in individuals affected with CTRC-related conditions. ClinVar contains an entry for this variant (Variation ID: 1753639). Advanced modeling of protein sequence and biophysical properties (such as structural, functional, and spatial information, amino acid conservation, physicochemical variation, residue mobility, and thermodynamic stability) performed at Invitae indicates that this missense variant is expected to disrupt CTRC protein function with a positive predictive value of 80%. In summary, the available evidence is currently insufficient to determine the role of this variant in disease. Therefore, it has been classified as a Variant of Uncertain Significance.

Ambry Genetics
Classification: Uncertain significance for Hereditary pancreatitis. Last evaluated: 2024-01-13. Review status: criteria provided, single submitter. Criteria: Ambry Variant Classification Scheme 2023. Collection method: clinical testing. Allele origin: germline.
Comment: The p.D215E variant (also known as c.645C>A), located in coding exon 7 of the CTRC gene, results from a C to A substitution at nucleotide position 645. The aspartic acid at codon 215 is replaced by glutamic acid, an amino acid with highly similar properties. This amino acid position is conserved. In addition, this alteration is predicted to be deleterious by in silico analysis. Since supporting evidence is limited at this time, the clinical significance of this alteration remains unclear.

NM_007272.3(CTRC):c.645C>A (p.Asp215Glu)

Gene: CTRC (chymotrypsin C; plus strand). Cytogenetic location: 1p36.21.
Variant type: single nucleotide variant.
Coding change: c.645C>A on transcript NM_007272.3 (MANE Select); coding-DNA position 645, C replaced by A.
Protein change: p.Asp215Glu; replaces aspartic acid 215 with glutamic acid.
Molecular consequence: missense variant.
Genome position (GRCh38, 1-based): chr1:15,445,602, C>A. VCF-style: chr1-15445602-C-A. GRCh37 (hg19) VCF-style: chr1-15772097-C-A.
Other names: short protein forms D215E.
Identifiers: ClinVar variation 1753639 (VCV001753639.5), dbSNP rs1465995647, ClinGen allele CA338567680.